The following is an entry in ClinVar:

NM_001370259.2(MEN1):c.1525G>A (p.Gly509Ser)

Gene: MEN1 (menin 1; minus strand). Cytogenetic location: 11q13.1.
Variant type: single nucleotide variant.
Coding change: c.1525G>A on transcript NM_001370259.2 (MANE Select); coding-DNA position 1525, G replaced by A.
Protein change: p.Gly509Ser; replaces glycine 509 with serine.
Molecular consequence: missense variant.
Genome position (GRCh38, 1-based): chr11:64,804,642, C>T on the plus strand (G>A on the coding strand, the complement: MEN1 is on the minus strand). VCF-style: chr11-64804642-C-T. GRCh37 (hg19) VCF-style: chr11-64572114-C-T.
Other names: c.1420G>A, p.Gly474Ser (NM_001370262.2, NM_001370263.2); c.1525G>A, p.Gly509Ser (NM_130799.3, NM_001370260.2, NM_001370261.2); c.1540G>A, p.Gly514Ser (NM_130800.3, NM_130804.3, NM_130801.3 and 3 more transcripts); c.1651G>A, p.Gly551Ser (NM_001370251.2); short protein forms G514S, G474S, G509S, G551S.
Identifiers: ClinVar variation 953367 (VCV000953367.9), dbSNP rs1941533809, ClinGen allele CA381178681.
Genomic context (GRCh38, chr11:64,804,642, plus strand): 5'-GGCCTCGGGCTGTGCCAGCGACAGTCCCAGGAGGCTTCCGGGGGGGTCCTGACACTGCAC[C>T]CTGGCCGGTGCCCAGGCCCTTGTCCAGTGCTGGCTTCTTGGGCGGCGGGGGCTCCTCTGG-3'
Protein context (NP_001357188.2, residues 499-519): ALDKGLGTGQ[Gly509Ser]AVSGPPRKPP

ClinVar aggregate classification (germline): Uncertain significance (1 of 4 stars; one submission).

Conditions:
Multiple endocrine neoplasia, type 1 (MEN1). Also called: MEN I; WERMER SYNDROME; Endocrine adenomatosis multiple; MEN 1; MEA I. Identifiers: Orphanet 652, MedGen C0025267, MeSH D018761, MONDO:0007540, OMIM 131100.

Submission:

Labcorp Genetics (formerly Invitae), Labcorp
Classification: Uncertain significance for Multiple endocrine neoplasia, type 1. Last evaluated: 2022-11-13. Review status: criteria provided, single submitter. Criteria: Invitae Variant Classification Sherloc (09022015). Collection method: clinical testing. Allele origin: germline.
Comment: Advanced modeling of protein sequence and biophysical properties (such as structural, functional, and spatial information, amino acid conservation, physicochemical variation, residue mobility, and thermodynamic stability) performed at Invitae indicates that this missense variant is not expected to disrupt MEN1 protein function. This sequence change replaces glycine, which is neutral and non-polar, with serine, which is neutral and polar, at codon 509 of the MEN1 protein (p.Gly509Ser). This variant is not present in population databases (gnomAD no frequency). This variant has not been reported in the literature in individuals affected with MEN1-related conditions. ClinVar contains an entry for this variant (Variation ID: 953367). In summary, the available evidence is currently insufficient to determine the role of this variant in disease. Therefore, it has been classified as a Variant of Uncertain Significance.